The following is an entry in ClinVar:

ClinVar aggregate classification (germline): Uncertain significance. Review status: criteria provided, multiple submitters, no conflicts (2 of 4 stars). 2 submissions from 2 submitters: Uncertain significance (2). Last evaluated 2025-07-09.

Conditions:
Cardiovascular phenotype. Identifiers: MedGen CN230736.
Noonan syndrome 8 (NS8). Identifiers: Orphanet 648, MedGen C3809233, MONDO:0014143, OMIM 615355.

Submissions (2):

Labcorp Genetics (formerly Invitae), Labcorp
Classification: Uncertain significance for Noonan syndrome 8. Last evaluated: 2025-07-09. Review status: criteria provided, single submitter. Criteria: Invitae Variant Classification Sherloc (09022015). Collection method: clinical testing. Allele origin: germline.
Comment: This sequence change replaces alanine, which is neutral and non-polar, with valine, which is neutral and non-polar, at codon 151 of the RIT1 protein (p.Ala151Val). This variant is not present in population databases (gnomAD no frequency). This variant has not been reported in the literature in individuals affected with RIT1-related conditions. ClinVar contains an entry for this variant (Variation ID: 3789345). Invitae Evidence Modeling of protein sequence and biophysical properties (such as structural, functional, and spatial information, amino acid conservation, physicochemical variation, residue mobility, and thermodynamic stability) indicates that this missense variant is not expected to disrupt RIT1 protein function with a negative predictive value of 95%. In summary, the available evidence is currently insufficient to determine the role of this variant in disease. Therefore, it has been classified as a Variant of Uncertain Significance.

Ambry Genetics
Classification: Uncertain significance for Cardiovascular phenotype. Last evaluated: 2025-03-08. Review status: criteria provided, single submitter. Criteria: Ambry Variant Classification Scheme 2023. Collection method: clinical testing. Allele origin: germline.

NM_006912.6(RIT1):c.452C>T (p.Ala151Val)

Gene: RIT1 (Ras like without CAAX 1; minus strand). Cytogenetic location: 1q22.
Variant type: single nucleotide variant.
Coding change: c.452C>T on transcript NM_006912.6 (MANE Select); coding-DNA position 452, C replaced by T.
Protein change: p.Ala151Val; replaces alanine 151 with valine.
Molecular consequence: missense variant.
Genome position (GRCh38, 1-based): chr1:155,900,596, G>A on the plus strand (C>T on the coding strand, the complement: RIT1 is on the minus strand). VCF-style: chr1-155900596-G-A. GRCh37 (hg19) VCF-style: chr1-155870387-G-A.
Other names: c.344C>T, p.Ala115Val (NM_001256820.2); c.503C>T, p.Ala168Val (NM_001256821.2); short protein forms A115V, A151V, A168V.
Identifiers: ClinVar variation 3789345 (VCV003789345.2).